The following is an entry in ClinVar:

ClinVar aggregate classification (germline): Likely pathogenic (1 of 4 stars; one submission).

Conditions:
Microcephaly 8, primary, autosomal recessive. Identifiers: Orphanet 2512, MedGen C3553414, MONDO:0013849, OMIM 614673.

Submission:

Juno Genomics, Hangzhou Juno Genomics, Inc
Classification: Likely pathogenic for Microcephaly 8, primary, autosomal recessive. Review status: criteria provided, single submitter. Criteria: ACMG Guidelines, 2015. Collection method: clinical testing. Allele origin: germline.
Comment: Null variant in a gene where loss of function (LOF) is a known mechanism of disease.;Absent from controls (or at extremely low frequency if recessive) in Genome Aggregation Database.

NM_025009.5(CEP135):c.942dup (p.Leu315fs)

Gene: CEP135 (centrosomal protein 135; plus strand). Cytogenetic location: 4q12.
Variant type: Duplication.
Coding change: c.942dup on transcript NM_025009.5 (MANE Select); coding-DNA position 942, one base duplicated (A; older notation c.942dupA).
Protein change: p.Leu315fs; shifts the reading frame from leucine 315.
Molecular consequence: frameshift variant.
Genome position (GRCh38, 1-based): chr4:55,965,757, A duplicated; the last of 5 consecutive A bases (chr4:55,965,753-55,965,757); duplicating any one gives the same sequence. VCF-style (leftmost placement, unchanged base first): chr4-55965752-G-GA. GRCh37 (hg19) VCF-style: chr4-56831918-G-GA.
Other names: short protein forms L315fs.
Identifiers: ClinVar variation 5006778 (VCV005006778.2).